The following is an entry in ClinVar:

ClinVar aggregate classification (germline): Conflicting classifications of pathogenicity. Review status: criteria provided, conflicting classifications (1 of 4 stars). 3 submissions from 3 submitters: Uncertain significance (1); Likely benign (1). 1 of the submissions does not count toward it. Last evaluated 2025-09-27.

Conditions:
Autoinflammatory syndrome. Identifiers: Orphanet 93665, MedGen C3890737, MONDO:0019751.
PSTPIP1-related disorder. Also called: PSTPIP1-related condition.
Pyogenic arthritis-pyoderma gangrenosum-acne syndrome (PAPA). Also called: PAPA SYNDROME; FAMILIAL RECURRENT ARTHRITIS. Identifiers: Orphanet 69126, MedGen C1858361, MONDO:0011462, OMIM 604416.

Allele frequency attached by ClinVar (database versions not stated): gnomAD 0.00002 and 0.00003; ExAC 0.00006; gnomAD exomes 0.00006.
gnomAD v4.1: 58 of 1,606,232 alleles (0.0036%); highest among the groups gnomAD compares: East Asian, 0.058%; no homozygotes.

Submissions (3):

Labcorp Genetics (formerly Invitae), Labcorp
Classification: Likely benign for Pyogenic arthritis-pyoderma gangrenosum-acne syndrome. Last evaluated: 2025-09-27. Review status: criteria provided, single submitter. Criteria: Invitae Variant Classification Sherloc (09022015). Collection method: clinical testing. Allele origin: germline.

Genome Diagnostics Laboratory, The Hospital for Sick Children
Classification: Uncertain significance for Autoinflammatory syndrome. Last evaluated: 2018-04-01. Review status: criteria provided, single submitter. Criteria: ACMG Guidelines, 2015. Collection method: clinical testing. Allele origin: germline. Affected: yes.

PreventionGenetics, part of Exact Sciences
Classification: Likely benign for PSTPIP1-related condition. Last evaluated: 2023-12-27. Review status: no assertion criteria provided. Collection method: clinical testing. Allele origin: germline. Not counted in ClinVar's aggregate classification.
Comment: This variant is classified as likely benign based on ACMG/AMP sequence variant interpretation guidelines (Richards et al. 2015 PMID: 25741868, with internal and published modifications).

NM_003978.5(PSTPIP1):c.987G>A (p.Ala329=)

Gene: PSTPIP1 (proline-serine-threonine phosphatase interacting protein 1; plus strand). Cytogenetic location: 15q24.3.
Variant type: single nucleotide variant.
Coding change: c.987G>A on transcript NM_003978.5 (MANE Select); coding-DNA position 987, G replaced by A.
Protein change: p.Ala329=; no amino-acid change (alanine 329 retained).
Molecular consequence: synonymous variant. On other transcripts: non-coding transcript variant (1).
Genome position (GRCh38, 1-based): chr15:77,035,803, G>A. VCF-style: chr15-77035803-G-A. GRCh37 (hg19) VCF-style: chr15-77328144-G-A.
Other names: c.930G>A, p.Ala310= (NM_001321135.2); c.960G>A, p.Ala320= (NM_001321136.2); c.1182G>A, p.Ala394= (NM_001321137.1).
Identifiers: ClinVar variation 1139987 (VCV001139987.14), dbSNP rs750823506, ClinGen allele CA7676125.